The following is an entry in ClinVar:

Single allele

Gene: SOX11 (SRY-box transcription factor 11; plus strand). Cytogenetic location: 2p25.2.
Variant type: Duplication.
Identifiers: ClinVar variation 156778 (VCV000156778.2).

ClinVar aggregate classification (germline): not provided (0 of 4 stars; one submission).

Conditions:
Preeclampsia. Identifiers: Orphanet 275555, MedGen C0032914, MONDO:0005081, HP:0100602.

Submission:

Institute of Molecular and Cell Biology, University of Tartu
No classification provided. Condition: Preeclampsia. Review status: no classification provided. Collection method: case-control. Allele origin: unknown. Affected: yes. Study: Kasak2014.
Comment: The study aimed to determine the contribution of copy number variants in the genetic etiology of normal and complicated pregnancies. The samples represented (i) maternal blood DNA drawn from healthy pregnant women during 1st or 2nd trimester and (ii) maternal and paternal blood DNA drawn at term pregnancy cases representing normal and complicated gestations (severe preeclampsia, PE; gestational diabetes, GD; small-for-gestational age newborn, SGA; large-for-gestational age newborn, LGA). We performed CNV calling based on genome-wide genotyping dataset (Illumina HumanOmniExpress-24-v1 BeadChip) by applying three algorithms, QuantiSNP, GADA (Genome Alteration Detection Algorithm) and CNstream in parallel. The acquired CNV calls were merged with HD-CNV (Hotspot Detector for Copy Number Variants) program and only the CNVs predicted by at least two programs, were considered in subsequent analysis.

Literature cited by the submitters: PubMed 25666259.